The following is an entry in ClinVar:

ClinVar aggregate classification (germline): Uncertain significance. Review status: criteria provided, multiple submitters, no conflicts (2 of 4 stars). 3 submissions from 3 submitters: Uncertain significance (3). Last evaluated 2025-11-06.

Conditions:
Cardiovascular phenotype. Identifiers: MedGen CN230736.
Arrhythmogenic right ventricular dysplasia 9 (ARVD9). Also called: ARRHYTHMOGENIC RIGHT VENTRICULAR DYSPLASIA, FAMILIAL, 9; Arrhythmogenic Right Ventricular Dysplasia/Cardiomyopathy 9. Identifiers: MedGen C1836906, MONDO:0012180, OMIM 609040.
Cardiomyopathy (CMYO). Also called: Cardiomyopathies. Identifiers: Orphanet 167848, MedGen C0878544, MONDO:0004994, HP:0001638. Inheritance: Various modes of inheritance.

Submissions (3):

Ambry Genetics
Classification: Uncertain significance for Cardiovascular phenotype. Last evaluated: 2025-11-06. Review status: criteria provided, single submitter. Criteria: Ambry Variant Classification Scheme 2023. Collection method: clinical testing. Allele origin: germline.
Comment: The c.142_144dupGGC variant (also known as p.G48dup), located in coding exon 1 of the PKP2 gene, results from an in-frame duplication of GGC at nucleotide positions 142 to 144. This results in the duplication of an extra residue between codons 48 and 49. This amino acid position is not well conserved in available vertebrate species. In addition, this variant is predicted to be neutral by in silico analysis (Choi Y et al. PLoS ONE. 2012; 7(10):e46688). Based on the available evidence, the clinical significance of this variant remains unclear.

Labcorp Genetics (formerly Invitae), Labcorp
Classification: Uncertain significance for Arrhythmogenic right ventricular dysplasia 9. Last evaluated: 2024-10-23. Review status: criteria provided, single submitter. Criteria: Invitae Variant Classification Sherloc (09022015). Collection method: clinical testing. Allele origin: germline.
Comment: This variant, c.142_144dup, results in the insertion of 1 amino acid(s) of the PKP2 protein (p.Gly48dup), but otherwise preserves the integrity of the reading frame. This variant is not present in population databases (gnomAD no frequency). This variant has not been reported in the literature in individuals affected with PKP2-related conditions. Experimental studies and prediction algorithms are not available or were not evaluated, and the functional significance of this variant is currently unknown. In summary, the available evidence is currently insufficient to determine the role of this variant in disease. Therefore, it has been classified as a Variant of Uncertain Significance.

Color Diagnostics, LLC DBA Color Health
Classification: Uncertain significance for Cardiomyopathy. Last evaluated: 2021-11-17. Review status: criteria provided, single submitter. Criteria: ACMG Guidelines, 2015. Collection method: clinical testing. Allele origin: germline.
Comment: This variant causes a duplication of glycine at codon 48 of the PKP2 protein. To our knowledge, functional studies have not been reported for this variant. This variant has not been reported in individuals affected with cardiovascular disorders in the literature. This variant has not been identified in the general population by the Genome Aggregation Database (gnomAD). The available evidence is insufficient to determine the role of this variant in disease conclusively. Therefore, this variant is classified as a Variant of Uncertain Significance.

NM_001005242.3(PKP2):c.139GGC[3] (p.Gly48dup)

Gene: PKP2 (plakophilin 2; minus strand). Cytogenetic location: 12p11.21.
Variant type: Microsatellite.
Coding change: c.139GGC[3] on transcript NM_001005242.3 (MANE Select); three copies in a row of the 3-base unit GGC starting at c.139; the reference has two copies in a row; one copy, 3 bases duplicated.
Protein change: p.Gly48dup; duplicates glycine 48.
Molecular consequence: inframe insertion.
Genome position (GRCh38, 1-based): chr12:32,896,588-32,896,590, GCC duplicated on the plus strand (GGC on the coding strand, the reverse complement: PKP2 is on the minus strand); duplicating any 3 consecutive bases within chr12:32,896,588-32,896,595 gives the same sequence; the position shown is the placement nearest the transcript's 3' end. VCF-style (leftmost placement, unchanged base first): chr12-32896587-G-GGCC. GRCh37 (hg19) VCF-style: chr12-33049521-G-GGCC.
Other names: c.139GGC[3], p.Gly48dup (NM_004572.4); c.142_144dup (NM_004572.4); c.142_144dupGGC (NM_004572.3).
Identifiers: ClinVar variation 1492865 (VCV001492865.9), dbSNP rs944330366, ClinGen allele CA235280682.